The following is an entry in ClinVar:

NM_001134363.3(RBM20):c.349G>T (p.Ala117Ser)

Gene: RBM20 (RNA binding motif protein 20; plus strand). Cytogenetic location: 10q25.2.
Variant type: single nucleotide variant.
Coding change: c.349G>T on transcript NM_001134363.3 (MANE Select); coding-DNA position 349, G replaced by T.
Protein change: p.Ala117Ser; replaces alanine 117 with serine.
Molecular consequence: missense variant.
Genome position (GRCh38, 1-based): chr10:110,780,958, G>T. VCF-style: chr10-110780958-G-T. GRCh37 (hg19) VCF-style: chr10-112540716-G-T.
Other names: short protein forms A117S.
Identifiers: ClinVar variation 843534 (VCV000843534.9), dbSNP rs373480063, ClinGen allele CA213234587.

ClinVar aggregate classification (germline): Uncertain significance (1 of 4 stars; one submission).

Conditions:
Dilated cardiomyopathy 1DD (CMD1DD). Identifiers: Orphanet 154, MedGen C2750995, MONDO:0013168, OMIM 613172.

Allele frequency attached by ClinVar (database versions not stated): TOPMed 0.00001.
gnomAD v4.1: 1 of 1,551,524 alleles (0.000064%); highest among the groups gnomAD compares: African/African-American, 0.0014%; no homozygotes.

Submission:

Labcorp Genetics (formerly Invitae), Labcorp
Classification: Uncertain significance for Dilated cardiomyopathy 1DD. Last evaluated: 2024-07-25. Review status: criteria provided, single submitter. Criteria: Invitae Variant Classification Sherloc (09022015). Collection method: clinical testing. Allele origin: germline.
Comment: This sequence change replaces alanine, which is neutral and non-polar, with serine, which is neutral and polar, at codon 117 of the RBM20 protein (p.Ala117Ser). This variant is not present in population databases (gnomAD no frequency). This variant has not been reported in the literature in individuals affected with RBM20-related conditions. ClinVar contains an entry for this variant (Variation ID: 843534). Advanced modeling of protein sequence and biophysical properties (such as structural, functional, and spatial information, amino acid conservation, physicochemical variation, residue mobility, and thermodynamic stability) performed at Invitae indicates that this missense variant is not expected to disrupt RBM20 protein function with a negative predictive value of 95%. In summary, the available evidence is currently insufficient to determine the role of this variant in disease. Therefore, it has been classified as a Variant of Uncertain Significance.